The following is an entry in ClinVar:

NM_001031689.3(PLAA):c.2080A>C (p.Ser694Arg)

Gene: PLAA (phospholipase A2 activating protein; minus strand). Cytogenetic location: 9p21.2.
Variant type: single nucleotide variant.
Coding change: c.2080A>C on transcript NM_001031689.3 (MANE Select); coding-DNA position 2080, A replaced by C.
Protein change: p.Ser694Arg; replaces serine 694 with arginine.
Molecular consequence: missense variant.
Genome position (GRCh38, 1-based): chr9:26,905,819, T>G on the plus strand (A>C on the coding strand, the complement: PLAA is on the minus strand). VCF-style: chr9-26905819-T-G. GRCh37 (hg19) VCF-style: chr9-26905817-T-G.
Other names: c.2011A>C, p.Ser671Arg (NM_001321546.2); short protein forms S671R, S694R.
Identifiers: ClinVar variation 1409334 (VCV001409334.6), dbSNP rs2131361023, ClinGen allele CA373126522.

ClinVar aggregate classification (germline): Uncertain significance (1 of 4 stars; one submission).

Allele frequency attached by ClinVar (database versions not stated): gnomAD exomes below 0.00001.

Submission:

Labcorp Genetics (formerly Invitae), Labcorp
Classification: Uncertain significance. Last evaluated: 2022-09-07. Review status: criteria provided, single submitter. Criteria: Invitae Variant Classification Sherloc (09022015). Collection method: clinical testing. Allele origin: germline.
Comment: This sequence change replaces serine, which is neutral and polar, with arginine, which is basic and polar, at codon 694 of the PLAA protein (p.Ser694Arg). In summary, the available evidence is currently insufficient to determine the role of this variant in disease. Therefore, it has been classified as a Variant of Uncertain Significance. Algorithms developed to predict the effect of missense changes on protein structure and function (SIFT, PolyPhen-2, Align-GVGD) all suggest that this variant is likely to be tolerated. ClinVar contains an entry for this variant (Variation ID: 1409334). This variant has not been reported in the literature in individuals affected with PLAA-related conditions. This variant is not present in population databases (gnomAD no frequency).